The following is an entry in ClinVar:

ClinVar aggregate classification (germline): Uncertain significance (1 of 4 stars; one submission).

Submission:

Labcorp Genetics (formerly Invitae), Labcorp
Classification: Uncertain significance. Last evaluated: 2022-11-15. Review status: criteria provided, single submitter. Criteria: Invitae Variant Classification Sherloc (09022015). Collection method: clinical testing. Allele origin: germline.
Comment: This variant is not present in population databases (gnomAD no frequency). Algorithms developed to predict the effect of missense changes on protein structure and function are either unavailable or do not agree on the potential impact of this missense change (SIFT: "Deleterious"; PolyPhen-2: "Possibly Damaging"; Align-GVGD: "Class C0"). This variant has not been reported in the literature in individuals affected with ERBIN-related conditions. This sequence change replaces alanine, which is neutral and non-polar, with proline, which is neutral and non-polar, at codon 942 of the ERBIN protein (p.Ala942Pro). In summary, the available evidence is currently insufficient to determine the role of this variant in disease. Therefore, it has been classified as a Variant of Uncertain Significance.

NM_001253697.2(ERBIN):c.2824G>C (p.Ala942Pro)

Gene: ERBIN (erbb2 interacting protein; plus strand). Cytogenetic location: 5q12.3.
Variant type: single nucleotide variant.
Coding change: c.2824G>C on transcript NM_001253697.2 (MANE Select); coding-DNA position 2824, G replaced by C.
Protein change: p.Ala942Pro; replaces alanine 942 with proline.
Molecular consequence: missense variant.
Genome position (GRCh38, 1-based): chr5:66,054,142, G>C. VCF-style: chr5-66054142-G-C. GRCh37 (hg19) VCF-style: chr5-65349970-G-C.
Other names: c.2812G>C, p.Ala938Pro (NM_001253701.2); c.2824G>C, p.Ala942Pro (NM_018695.4, NM_001006600.3, NM_001253698.2 and 1 more transcripts); short protein forms A938P, A942P.
Identifiers: ClinVar variation 2814253 (VCV002814253.3), dbSNP rs1759341897, ClinGen allele CA359867895.
Genomic context (GRCh38, chr5:66,054,142, plus strand): 5'-CAACCATTGCAGGTATTTACTGGTTCTTCCTCATCTTCTGATTTAATATCAGGAACAAAG[G>C]CAATTTTCAAGTTTGATTCAAATCATAATCCCGAAGAGCCAAATATAATAAGAGGCCCCA-3'
Protein context (NP_001240626.1, residues 932-952): SSSDLISGTK[Ala942Pro]IFKFDSNHNP